The following is an entry in ClinVar:

NM_001267550.2(TTN):c.24639A>C (p.Gln8213His)

Gene: TTN (titin; minus strand). Cytogenetic location: 2q31.2.
Variant type: single nucleotide variant.
Coding change: c.24639A>C on transcript NM_001267550.2 (MANE Select); coding-DNA position 24639, A replaced by C.
Protein change: p.Gln8213His; replaces glutamine 8213 with histidine.
Molecular consequence: missense variant. On other transcripts: intron variant (3).
Genome position (GRCh38, 1-based): chr2:178,718,467, T>G on the plus strand (A>C on the coding strand, the complement: TTN is on the minus strand). VCF-style: chr2-178718467-T-G. GRCh37 (hg19) VCF-style: chr2-179583194-T-G.
Other names: c.20907A>C, p.Gln6969His (NM_133378.4); c.23688A>C, p.Gln7896His (NM_001256850.1); c.13282+19615A>C (NM_003319.4); c.13858+19615A>C (NM_133437.4); c.13657+19615A>C (NM_133432.3); short protein forms Q8213H, Q6969H, Q7896H.
Identifiers: ClinVar variation 46738 (VCV000046738.47), dbSNP rs397517510, ClinGen allele CA139079.

ClinVar aggregate classification (germline): Conflicting classifications of pathogenicity. Review status: criteria provided, conflicting classifications (1 of 4 stars). 6 submissions from 6 submitters: Uncertain significance (5); Likely benign (1). Last evaluated 2025-12-08.

Conditions:
TTN-related disorder. Also called: TTN-related condition; TTN-related disease; TTN-related disorders.
Dilated cardiomyopathy 1G (CMD1G). Identifiers: Orphanet 154, MedGen C1858763, MONDO:0011400, OMIM 604145.
Autosomal recessive limb-girdle muscular dystrophy type 2J (LGMDR10). Also called: Limb-girdle muscular dystrophy, type 2J; MUSCULAR DYSTROPHY, LIMB-GIRDLE, AUTOSOMAL RECESSIVE 10. Identifiers: Orphanet 140922, MedGen C1837342, MONDO:0012127, OMIM 608807.

Allele frequency attached by ClinVar (database versions not stated): ExAC 0.00004; gnomAD 0.00010; TOPMed 0.00011.
gnomAD v4.1: 171 of 1,613,608 alleles (0.011%); highest among the groups gnomAD compares: Non-Finnish European, 0.013%; no homozygotes.

Submissions (6):

PreventionGenetics, part of Exact Sciences
Classification: Uncertain significance for TTN-related condition. Last evaluated: 2025-12-08. Review status: criteria provided, single submitter. Criteria: ACMG Guidelines, 2015. Collection method: clinical testing. Allele origin: germline.
Comment: The TTN c.24639A>C variant is predicted to result in the amino acid substitution p.Gln8213His. To our knowledge, this variant has not been reported in the literature. This variant is reported in 0.0070% of alleles in individuals of European (Non-Finnish) descent in gnomAD. Although we suspect that this variant may be benign, at this time, the clinical significance of this variant is uncertain due to the absence of conclusive functional and genetic evidence.

Revvity Omics, Revvity
Classification: Uncertain significance. Last evaluated: 2023-08-02. Review status: criteria provided, single submitter. Criteria: ACMG Guidelines, 2015. Collection method: clinical testing. Allele origin: germline.

CeGaT Center for Human Genetics Tuebingen
Classification: Uncertain significance. Last evaluated: 2022-01-01. Review status: criteria provided, single submitter. Criteria: CeGaT Center For Human Genetics Tuebingen Variant Classification Criteria Version 2. Collection method: clinical testing. Allele origin: germline. Affected: yes. Observed: 2 variant alleles.

GeneDx
Classification: Likely benign. Last evaluated: 2020-02-07. Review status: criteria provided, single submitter. Criteria: GeneDx Variant Classification Process June 2021. Collection method: clinical testing. Allele origin: germline. Affected: yes.

Labcorp Genetics (formerly Invitae), Labcorp
Classification: Uncertain significance for Dilated cardiomyopathy 1G; Autosomal recessive limb-girdle muscular dystrophy type 2J. Last evaluated: 2017-10-10. Review status: criteria provided, single submitter. Criteria: Invitae Variant Classification Sherloc (09022015). Collection method: clinical testing. Allele origin: germline.

Laboratory for Molecular Medicine, Mass General Brigham Personalized Medicine
Classification: Uncertain significance. Last evaluated: 2012-09-01. Review status: criteria provided, single submitter. Criteria: LMM Criteria. Collection method: clinical testing. Allele origin: germline. Observed: 1 variant allele.
Comment: Variant classified as Uncertain Significance - Favor Benign. The Gln6969His vari ant in TTN has not been reported in the literature nor previously identified by our laboratory. Glutamine (Gln) at position 6969 is not well conserved in evolut ion and 2 mammals (pika and shrew) carry a histidine (His; this variant), suppor ting that this change may be tolerated. Other computational analyses (biochemica l amino acid properties, AlignGVGD, and PolyPhen2) also suggest that this varian t may not impact the protein, though this information is not predictive enough t o rule out pathogenicity. In summary, additional information is needed to fully assess the clinical significance of the Gln6969His variant.